The following is an entry in ClinVar:

NM_002485.5(NBN):c.873G>A (p.Gln291=)

Gene: NBN (nibrin; minus strand). Cytogenetic location: 8q21.3.
Variant type: single nucleotide variant.
Coding change: c.873G>A on transcript NM_002485.5 (MANE Select); coding-DNA position 873, G replaced by A.
Protein change: p.Gln291=; no amino-acid change (glutamine 291 retained).
Molecular consequence: synonymous variant.
Genome position (GRCh38, 1-based): chr8:89,970,387, C>T on the plus strand (G>A on the coding strand, the complement: NBN is on the minus strand). VCF-style: chr8-89970387-C-T. GRCh37 (hg19) VCF-style: chr8-90982615-C-T.
Other names: c.627G>A, p.Gln209= (NM_001024688.3).
Identifiers: ClinVar variation 186422 (VCV000186422.14), dbSNP rs786202939, ClinGen allele CA194775.

ClinVar aggregate classification (germline): Likely benign. Review status: criteria provided, multiple submitters, no conflicts (2 of 4 stars). 3 submissions from 3 submitters: Likely benign (3). Last evaluated 2023-10-20.

Conditions:
Hereditary cancer-predisposing syndrome. Also called: Hereditary Cancer Syndrome; Neoplastic Syndromes, Hereditary; Tumor predisposition; Hereditary neoplastic syndrome. Identifiers: Orphanet 140162, MedGen C0027672, MeSH D009386, MONDO:0015356.
Microcephaly, normal intelligence and immunodeficiency (NBS). Also called: IMMUNODEFICIENCY, MICROCEPHALY, AND CHROMOSOMAL INSTABILITY; SEEMANOVA SYNDROME II; Immunodeficiency, microcephaly with normal intelligence; Ataxia telangiectasia variant V1; Nijmegen breakage syndrome; Microcephaly with normal intelligence immunodeficiency and lymphoreticular malignancies. Identifiers: Orphanet 647, MedGen C0398791, MONDO:0009623, OMIM 251260.

gnomAD v4.1: 4 of 1,612,770 alleles (0.00025%); highest among the groups gnomAD compares: Non-Finnish European, 0.00034%; no homozygotes.

Submissions (3):

Labcorp Genetics (formerly Invitae), Labcorp
Classification: Likely benign for Microcephaly, normal intelligence and immunodeficiency. Last evaluated: 2023-10-20. Review status: criteria provided, single submitter. Criteria: Invitae Variant Classification Sherloc (09022015). Collection method: clinical testing. Allele origin: germline.

GeneDx
Classification: Likely benign. Last evaluated: 2016-12-16. Review status: criteria provided, single submitter. Criteria: GeneDx Variant Classification (06012015). Collection method: clinical testing. Allele origin: germline. Affected: yes.
Comment: This variant is considered likely benign or benign based on one or more of the following criteria: it is a conservative change, it occurs at a poorly conserved position in the protein, it is predicted to be benign by multiple in silico algorithms, and/or has population frequency not consistent with disease.

Ambry Genetics
Classification: Likely benign for Hereditary cancer-predisposing syndrome. Last evaluated: 2014-10-03. Review status: criteria provided, single submitter. Criteria: Ambry Variant Classification Scheme 2023. Collection method: clinical testing. Allele origin: germline.